The following is an entry in ClinVar:

ClinVar aggregate classification (germline): Uncertain significance. Review status: criteria provided, multiple submitters, no conflicts (2 of 4 stars). 2 submissions from 2 submitters: Uncertain significance (2). Last evaluated 2022-03-10.

Conditions:
Donnai-Barrow syndrome. Also called: DBS/FOAR SYNDROME; FACIOOCULOACOUSTICORENAL SYNDROME. Identifiers: Orphanet 2143, MedGen C1857277, MONDO:0009104, OMIM 222448.

Allele frequency attached by ClinVar (database versions not stated): gnomAD 0.00001.
gnomAD v4.1: 3 of 1,614,084 alleles (0.00019%); highest among the groups gnomAD compares: African/African-American, 0.0013%; no homozygotes.

Submissions (2):

Labcorp Genetics (formerly Invitae), Labcorp
Classification: Uncertain significance. Last evaluated: 2022-03-10. Review status: criteria provided, single submitter. Criteria: Invitae Variant Classification Sherloc (09022015). Collection method: clinical testing. Allele origin: germline.
Comment: This sequence change replaces arginine, which is basic and polar, with glutamine, which is neutral and polar, at codon 2699 of the LRP2 protein (p.Arg2699Gln). This variant is not present in population databases (gnomAD no frequency). This variant has not been reported in the literature in individuals affected with LRP2-related conditions. Advanced modeling of protein sequence and biophysical properties (such as structural, functional, and spatial information, amino acid conservation, physicochemical variation, residue mobility, and thermodynamic stability) performed at Invitae indicates that this missense variant is not expected to disrupt LRP2 protein function. In summary, the available evidence is currently insufficient to determine the role of this variant in disease. Therefore, it has been classified as a Variant of Uncertain Significance.

Fulgent Genetics
Classification: Uncertain significance for Donnai-Barrow syndrome. Last evaluated: 2021-12-16. Review status: criteria provided, single submitter. Criteria: ACMG Guidelines, 2015. Collection method: clinical testing. Allele origin: unknown.

NM_004525.3(LRP2):c.8096G>A (p.Arg2699Gln)

Gene: LRP2 (LDL receptor related protein 2; minus strand). Cytogenetic location: 2q31.1.
Variant type: single nucleotide variant.
Coding change: c.8096G>A on transcript NM_004525.3 (MANE Select); coding-DNA position 8096, G replaced by A.
Protein change: p.Arg2699Gln; replaces arginine 2699 with glutamine.
Molecular consequence: missense variant.
Genome position (GRCh38, 1-based): chr2:169,202,869, C>T on the plus strand (G>A on the coding strand, the complement: LRP2 is on the minus strand). VCF-style: chr2-169202869-C-T. GRCh37 (hg19) VCF-style: chr2-170059379-C-T.
Other names: short protein forms R2699Q.
Identifiers: ClinVar variation 1477789 (VCV001477789.6), dbSNP rs867912144, ClinGen allele CA59930740.